The following is an entry in ClinVar:

NM_001387220.1(IKZF2):c.1020G>A (p.Pro340=)

Gene: IKZF2 (IKAROS family zinc finger 2; minus strand). Cytogenetic location: 2q34.
Variant type: single nucleotide variant.
Coding change: c.1020G>A on transcript NM_001387220.1 (MANE Select); coding-DNA position 1020, G replaced by A.
Protein change: p.Pro340=; no amino-acid change (proline 340 retained).
Molecular consequence: synonymous variant.
Genome position (GRCh38, 1-based): chr2:213,007,921, C>T on the plus strand (G>A on the coding strand, the complement: IKZF2 is on the minus strand). VCF-style: chr2-213007921-C-T. GRCh37 (hg19) VCF-style: chr2-213872645-C-T.
Other names: c.942G>A, p.Pro314= (NM_001079526.2, NM_001371275.1, NM_001371276.1); c.1020G>A, p.Pro340= (NM_001371274.1, NM_016260.3); c.795G>A, p.Pro265= (NM_001371277.1).
Identifiers: ClinVar variation 4848864 (VCV004848864.3).

ClinVar aggregate classification (germline): Likely benign. Review status: criteria provided, multiple submitters, no conflicts (2 of 4 stars). 2 submissions from 2 submitters: Likely benign (2). Last evaluated 2026-08-01.

gnomAD v4.1: 1,051 of 1,613,364 alleles (0.065%); highest among the groups gnomAD compares: African/African-American, 1.3%; 5 homozygotes.

Submissions (2):

CeGaT Center for Human Genetics Tuebingen
Classification: Likely benign. Last evaluated: 2026-08-01. Review status: criteria provided, single submitter. Criteria: CeGaT Center For Human Genetics Tuebingen Variant Classification Criteria Version 2. Collection method: clinical testing. Allele origin: germline. Affected: yes. Observed: 2 variant alleles.
Comment: IKZF2: BP4, BP7, BS1

Women's Health and Genetics/Laboratory Corporation of America, LabCorp
Classification: Likely benign. Last evaluated: 2026-04-06. Review status: criteria provided, single submitter. Criteria: LabCorp Variant Classification Summary - May 2015. Collection method: clinical testing. Allele origin: germline.